The following is an entry in ClinVar:

NM_004415.4(DSP):c.4372C>G (p.Arg1458Gly)

Gene: DSP (desmoplakin; plus strand). Cytogenetic location: 6p24.3.
Variant type: single nucleotide variant.
Coding change: c.4372C>G on transcript NM_004415.4 (MANE Select); coding-DNA position 4372, C replaced by G.
Protein change: p.Arg1458Gly; replaces arginine 1458 with glycine.
Molecular consequence: missense variant. On other transcripts: intron variant (2).
Genome position (GRCh38, 1-based): chr6:7,580,562, C>G. VCF-style: chr6-7580562-C-G. GRCh37 (hg19) VCF-style: chr6-7580795-C-G.
Other names: p.R1458G:CGA>GGA; c.4050+322C>G (NM_001319034.2); c.3582+790C>G (NM_001008844.3); short protein forms R1458G.
Identifiers: ClinVar variation 44906 (VCV000044906.94), dbSNP rs28763965, ClinGen allele CA004444.
Genomic context (GRCh38, chr6:7,580,562, plus strand): 5'-TCTGAGGTGTCTCAGAGGAAACAGCAGCTGGAGGTTGAGCTGAGACAAGTCACTCAGATG[C>G]GAACAGAGGAGAGCGTAAGATATAAGCAATCTCTTGATGATGCTGCCAAAACCATCCAGG-3'
Protein context (NP_004406.2, residues 1448-1468): EVELRQVTQM[Arg1458Gly]TEESVRYKQS

ClinVar aggregate classification (germline): Conflicting classifications of pathogenicity. Review status: criteria provided, conflicting classifications (1 of 4 stars). 28 submissions from 26 submitters: Uncertain significance (1); Benign (2); Likely benign (17). 8 of the submissions do not count toward it. Last evaluated 2026-09-01.

Conditions:
DSP-related disorder. Also called: DSP-related condition; DSP-related disorders.
Cardiovascular phenotype. Identifiers: MedGen CN230736.
Familial isolated arrhythmogenic right ventricular dysplasia. Identifiers: Orphanet 217656, MedGen C4274968, MONDO:0016342.
Arrhythmogenic cardiomyopathy with wooly hair and keratoderma. Also called: Carvajal syndrome; Dilated cardiomyopathy with woolly hair and keratoderma; Arrhythmogenic cardiomyopathy with woolly hair and keratoderma; PALMOPLANTAR KERATODERMA WITH LEFT VENTRICULAR CARDIOMYOPATHY AND WOOLLY HAIR. Identifiers: Orphanet 65282, MedGen C1854063, MONDO:0011581, OMIM 605676.
Arrhythmogenic right ventricular dysplasia 8 (ARVD8). Also called: Arrhythmogenic Right Ventricular Dysplasia/Cardiomyopathy 8; ARRHYTHMOGENIC RIGHT VENTRICULAR DYSPLASIA, FAMILIAL, 8; ARRHYTHMOGENIC RIGHT VENTRICULAR CARDIOMYOPATHY 8. Identifiers: MedGen C1843896, MONDO:0011831, OMIM 607450.
Arrhythmogenic right ventricular cardiomyopathy (ARVD). Also called: Arrhythmogenic Right Ventricular Cardiomyopathy (ARVC); Cardiomyopathy, ARVC; Arrhythmogenic right ventricular dysplasia; Arrhythmogenic cardiomyopathy. Identifiers: Orphanet 247, MedGen C0349788, MeSH D019571, MONDO:0016587. Disease mechanism: loss of function. Inheritance: Various modes of inheritance.
Cardiomyopathy (CMYO). Also called: Cardiomyopathies. Identifiers: Orphanet 167848, MedGen C0878544, MONDO:0004994, HP:0001638. Inheritance: Various modes of inheritance.
Woolly hair-skin fragility syndrome (WHSF). Identifiers: Orphanet 293165, MedGen C1843292, MONDO:0957307, OMIM 620415.
Lethal acantholytic epidermolysis bullosa (EBLA). Identifiers: Orphanet 158687, MedGen C1864826, MONDO:0012323, OMIM 609638.

Allele frequency attached by ClinVar (database versions not stated): gnomAD 0.00131 and 0.00134; ESP Exome Variant Server 0.00169; 1000 Genomes Project 0.00180; 1000 Genomes Project 30x 0.00187; TOPMed 0.00162.
gnomAD v4.1: 3,248 of 1,613,990 alleles (0.2%); highest among the groups gnomAD compares: Admixed American, 0.33%; 4 homozygotes.

Submissions 1 to 16 of 28:

CeGaT Center for Human Genetics Tuebingen
Classification: Likely benign. Last evaluated: 2026-09-01. Review status: criteria provided, single submitter. Criteria: CeGaT Center For Human Genetics Tuebingen Variant Classification Criteria Version 2. Collection method: clinical testing. Allele origin: germline. Affected: yes. Observed: 19 variant alleles.
Comment: DSP: BP4, BS1

Labcorp Genetics (formerly Invitae), Labcorp
Classification: Likely benign for Arrhythmogenic cardiomyopathy with wooly hair and keratoderma; Arrhythmogenic right ventricular dysplasia 8. Last evaluated: 2026-02-03. Review status: criteria provided, single submitter. Criteria: Invitae Variant Classification Sherloc (09022015). Collection method: clinical testing. Allele origin: germline.

ARUP Laboratories, Molecular Genetics and Genomics, ARUP Laboratories
Classification: Likely benign. Last evaluated: 2025-07-22. Review status: criteria provided, single submitter. Criteria: ARUP Molecular Germline Variant Investigation Process 2024. Collection method: clinical testing. Allele origin: germline.

Molecular Diagnostic Laboratory for Inherited Cardiovascular Disease, Montreal Heart Institute
Classification: Likely benign. Last evaluated: 2025-02-17. Review status: criteria provided, single submitter. Criteria: ACMG Guidelines, 2015. Collection method: clinical testing. Allele origin: germline. Affected: no.

Blueprint Genetics
Classification: Likely benign. Last evaluated: 2024-11-21. Review status: criteria provided, single submitter. Criteria: ACMG Guidelines, 2015. Collection method: clinical testing. Allele origin: germline.

Mayo Clinic Laboratories, Mayo Clinic
Classification: Likely benign. Last evaluated: 2024-11-21. Review status: criteria provided, single submitter. Criteria: ACMG Guidelines, 2015. Collection method: clinical testing. Allele origin: germline. Observed: 6 variant alleles.
Comment: BS1

All of Us Research Program, National Institutes of Health
Classification: Likely benign for Arrhythmogenic cardiomyopathy with wooly hair and keratoderma. Last evaluated: 2024-10-01. Review status: criteria provided, single submitter. Criteria: ACMG Guidelines, 2015. Collection method: clinical testing. Allele origin: germline. Inheritance: Autosomal dominant inheritance. Observed: 530 variant alleles, 530 heterozygotes.
Comment: This study involves interpretation of variants in research participants for the purpose of population health screening. Participant phenotype was not available at the time of variant classification. Additional details can be found in publication PMID: 35346344, PMCID: PMC8962531

Molecular Genetics, Royal Melbourne Hospital
Classification: Likely benign for Arrhythmogenic cardiomyopathy with wooly hair and keratoderma. Last evaluated: 2024-03-01. Review status: criteria provided, single submitter. Criteria: ACMG Guidelines, 2015. Collection method: clinical testing. Allele origin: germline. Inheritance: Autosomal dominant inheritance.

Women's Health and Genetics/Laboratory Corporation of America, LabCorp
Classification: Benign. Last evaluated: 2020-12-14. Review status: criteria provided, single submitter. Criteria: LabCorp Variant Classification Summary - May 2015. Collection method: clinical testing. Allele origin: germline.
Comment: Variant summary: DSP c.4372C>G (p.Arg1458Gly) results in a non-conservative amino acid change in the encoded protein sequence. Three of five in-silico tools predict a benign effect of the variant on protein function. The variant allele was found at a frequency of 0.0017 in 252108 control chromosomes in the gnomAD database, including 1 homozygotes. The observed variant frequency is approximately 173.34 fold of the estimated maximal expected allele frequency for a pathogenic variant in DSP causing Arrhythmia phenotype (1e-05), strongly suggesting that the variant is benign. c.4372C>G has been reported in the literature in individuals affected with Arrhythmia, DCM or HCM (Cox_2011, Kapplinger_2011, Pugh_2014, Andreasen_2013, Jaaskelainen_2019). These reports do not provide unequivocal conclusions about association of the variant with Arrhythmia. Co-occurrences with other pathogenic variant(s) have been reported (DSP c.3337C>T, R1113X; CASQ2 c.1090_1091insG, p.Asp364GlyfsX10 ; MYH7 c.3158G>A , p.Arg1053Gln), providing supporting evidence for a benign role. To our knowledge, no experimental evidence demonstrating an impact on protein function has been reported. 11 clinical diagnostic laboratories have submitted clinical-significance assessments for this variant to ClinVar after 2014 without evidence for independent evaluation. Multiple laboratories reported the variant with conflicting assessments. Based on the evidence outlined above, the variant was classified as benign.

GeneDx
Classification: Likely benign. Last evaluated: 2020-10-20. Review status: criteria provided, single submitter. Criteria: GeneDx Variant Classification Process June 2021. Collection method: clinical testing. Allele origin: germline. Affected: yes.
Comment: This variant is associated with the following publications: (PMID: 21606396, 21636032, 25163546, 24503780, 25179549, 25661095, 25637381, 23299917, 23861362, 25569433, 25985138, 26332594, 27153395, 27930701, 27435932, 26743238, 24055113, 28600387, 30403697, 33232181)

Illumina Laboratory Services, Illumina
Classification: Likely benign for Arrhythmogenic right ventricular dysplasia 8. Last evaluated: 2019-01-24. Review status: criteria provided, single submitter. Criteria: ICSL Variant Classification Criteria 13 December 2019. Collection method: clinical testing. Allele origin: germline.
Comment: This variant was observed as part of a predisposition screen in an ostensibly healthy population. A literature search was performed for the gene, cDNA change, and amino acid change (where applicable). Publications were found based on this search. The evidence from the literature, in combination with allele frequency data from public databases where available, was sufficient to determine this variant is unlikely to cause disease. Therefore, this variant is classified as likely benign.

Illumina Laboratory Services, Illumina
Classification: Likely benign for Lethal acantholytic epidermolysis bullosa. Last evaluated: 2019-01-24. Review status: criteria provided, single submitter. Criteria: ICSL Variant Classification Criteria 13 December 2019. Collection method: clinical testing. Allele origin: germline.
Comment: This variant was observed as part of a predisposition screen in an ostensibly healthy population. A literature search was performed for the gene, cDNA change, and amino acid change (where applicable). No publications were found based on this search. Allele frequency data from public databases allowed determination this variant is unlikely to cause disease. Therefore, this variant is classified as likely benign.

Illumina Laboratory Services, Illumina
Classification: Likely benign for Arrhythmogenic cardiomyopathy with wooly hair and keratoderma. Last evaluated: 2019-01-24. Review status: criteria provided, single submitter. Criteria: ICSL Variant Classification Criteria 13 December 2019. Collection method: clinical testing. Allele origin: germline.
Comment: the same text as in the submission from Illumina Laboratory Services, Illumina above.

Ambry Genetics
Classification: Likely benign for Cardiovascular phenotype. Last evaluated: 2018-12-30. Review status: criteria provided, single submitter. Criteria: Ambry Variant Classification Scheme 2023. Collection method: clinical testing. Allele origin: germline.

Color Diagnostics, LLC DBA Color Health
Classification: Likely benign for Cardiomyopathy. Last evaluated: 2018-03-14. Review status: criteria provided, single submitter. Criteria: ACMG Guidelines, 2015. Collection method: clinical testing. Allele origin: germline.

CHEO Genetics Diagnostic Laboratory, Children's Hospital of Eastern Ontario
Classification: Benign for Cardiomyopathy. Last evaluated: 2017-11-29. Review status: criteria provided, single submitter. Criteria: ACMG Guidelines, 2015. Collection method: clinical testing. Allele origin: germline.